The following is an entry in ClinVar:

ClinVar aggregate classification (germline): Uncertain significance. Review status: criteria provided, multiple submitters, no conflicts (2 of 4 stars). 2 submissions from 2 submitters: Uncertain significance (2). Last evaluated 2025-12-21.

Conditions:
Cardiovascular phenotype. Identifiers: MedGen CN230736.
Catecholaminergic polymorphic ventricular tachycardia 1. Also called: VENTRICULAR TACHYCARDIA, STRESS-INDUCED POLYMORPHIC 1; VENTRICULAR TACHYCARDIA, CATECHOLAMINERGIC POLYMORPHIC, 1, WITH OR WITHOUT ATRIAL DYSFUNCTION AND/OR DILATED CARDIOMYOPATHY; RYR2-Related Catecholaminergic Polymorphic Ventricular Tachycardia. Identifiers: Orphanet 3286, MedGen C1631597, MONDO:0011484, OMIM 604772.

gnomAD v4.1: 2 of 1,613,848 alleles (0.00012%); no homozygotes.

Submissions (2):

Labcorp Genetics (formerly Invitae), Labcorp
Classification: Uncertain significance for Catecholaminergic polymorphic ventricular tachycardia 1. Last evaluated: 2025-12-21. Review status: criteria provided, single submitter. Criteria: Invitae Variant Classification Sherloc (09022015). Collection method: clinical testing. Allele origin: germline.
Comment: This sequence change replaces tyrosine, which is neutral and polar, with serine, which is neutral and polar, at codon 28 of the CASQ2 protein (p.Tyr28Ser). This variant is not present in population databases (gnomAD no frequency). This variant has not been reported in the literature in individuals affected with CASQ2-related conditions. ClinVar contains an entry for this variant (Variation ID: 3827603). Invitae Evidence Modeling of protein sequence and biophysical properties (such as structural, functional, and spatial information, amino acid conservation, physicochemical variation, residue mobility, and thermodynamic stability) has been performed for this missense variant. However, the output from this modeling did not meet the statistical confidence thresholds required to predict the impact of this variant on CASQ2 protein function. In summary, the available evidence is currently insufficient to determine the role of this variant in disease. Therefore, it has been classified as a Variant of Uncertain Significance.

Ambry Genetics
Classification: Uncertain significance for Cardiovascular phenotype. Last evaluated: 2025-01-11. Review status: criteria provided, single submitter. Criteria: Ambry Variant Classification Scheme 2023. Collection method: clinical testing. Allele origin: germline.
Comment: The p.Y28S variant (also known as c.83A>C), located in coding exon 1 of the CASQ2 gene, results from an A to C substitution at nucleotide position 83. The tyrosine at codon 28 is replaced by serine, an amino acid with dissimilar properties. This amino acid position is conserved. In addition, the in silico prediction for this alteration is inconclusive. Based on the available evidence, the clinical significance of this variant remains unclear.

NM_001232.4(CASQ2):c.83A>C (p.Tyr28Ser)

Gene: CASQ2 (calsequestrin 2; minus strand). Cytogenetic location: 1p13.1.
Variant type: single nucleotide variant.
Coding change: c.83A>C on transcript NM_001232.4 (MANE Select); coding-DNA position 83, A replaced by C.
Protein change: p.Tyr28Ser; replaces tyrosine 28 with serine.
Molecular consequence: missense variant.
Genome position (GRCh38, 1-based): chr1:115,768,459, T>G on the plus strand (A>C on the coding strand, the complement: CASQ2 is on the minus strand). VCF-style: chr1-115768459-T-G. GRCh37 (hg19) VCF-style: chr1-116311080-T-G.
Other names: short protein forms Y28S.
Identifiers: ClinVar variation 3827603 (VCV003827603.2).